The following is an entry in ClinVar:

NM_001369.3(DNAH5):c.6106C>T (p.Arg2036Cys)

Gene: DNAH5 (dynein axonemal heavy chain 5; minus strand). Cytogenetic location: 5p15.2.
Variant type: single nucleotide variant.
Coding change: c.6106C>T on transcript NM_001369.3 (MANE Select); coding-DNA position 6106, C replaced by T.
Protein change: p.Arg2036Cys; replaces arginine 2036 with cysteine.
Molecular consequence: missense variant.
Genome position (GRCh38, 1-based): chr5:13,830,169, G>A on the plus strand (C>T on the coding strand, the complement: DNAH5 is on the minus strand). VCF-style: chr5-13830169-G-A. GRCh37 (hg19) VCF-style: chr5-13830278-G-A.
Other names: short protein forms R2036C.
Identifiers: ClinVar variation 4716800 (VCV004716800.1).

ClinVar aggregate classification (germline): Uncertain significance (1 of 4 stars; one submission).

Conditions:
Primary ciliary dyskinesia. Also called: Ciliary dyskinesia. Identifiers: Orphanet 244, MedGen C0008780, MONDO:0016575, HP:0012265.

gnomAD v4.1: 6 of 1,613,702 alleles (0.00037%); highest among the groups gnomAD compares: Middle Eastern, 0.016%; no homozygotes.

Submission:

Labcorp Genetics (formerly Invitae), Labcorp
Classification: Uncertain significance for Primary ciliary dyskinesia. Last evaluated: 2026-01-19. Review status: criteria provided, single submitter. Criteria: Invitae Variant Classification Sherloc (09022015). Collection method: clinical testing. Allele origin: germline.
Comment: This sequence change replaces arginine, which is basic and polar, with cysteine, which is neutral and slightly polar, at codon 2036 of the DNAH5 protein (p.Arg2036Cys). This variant is present in population databases (rs768503312, gnomAD 0.0009%). This variant has not been reported in the literature in individuals affected with DNAH5-related conditions. Invitae Evidence Modeling of protein sequence and biophysical properties (such as structural, functional, and spatial information, amino acid conservation, physicochemical variation, residue mobility, and thermodynamic stability) indicates that this missense variant is not expected to disrupt DNAH5 protein function with a negative predictive value of 95%. In summary, the available evidence is currently insufficient to determine the role of this variant in disease. Therefore, it has been classified as a Variant of Uncertain Significance.